The following is an entry in ClinVar:

NM_021939.4(FKBP10):c.1723G>A (p.Glu575Lys)

Gene: FKBP10 (FKBP prolyl isomerase 10; plus strand). Cytogenetic location: 17q21.2.
Variant type: single nucleotide variant.
Coding change: c.1723G>A on transcript NM_021939.4 (MANE Select); coding-DNA position 1723, G replaced by A.
Protein change: p.Glu575Lys; replaces glutamic acid 575 with lysine.
Molecular consequence: missense variant.
Genome position (GRCh38, 1-based): chr17:41,822,382, G>A. VCF-style: chr17-41822382-G-A. GRCh37 (hg19) VCF-style: chr17-39978634-G-A.
Other names: short protein forms E575K.
Identifiers: ClinVar variation 323195 (VCV000323195.7), dbSNP rs782264908, ClinGen allele CA8566731.

ClinVar aggregate classification (germline): Uncertain significance. Review status: criteria provided, multiple submitters, no conflicts (2 of 4 stars). 2 submissions from 2 submitters: Uncertain significance (2). Last evaluated 2024-04-16.

Conditions:
Osteogenesis imperfecta type 11. Also called: OI, TYPE XI; Osteogenesis imperfecta, type XI. Identifiers: Orphanet 666, MedGen C3151218, MONDO:0012592, OMIM 610968.

Allele frequency attached by ClinVar (database versions not stated): gnomAD 0.00001; gnomAD exomes 0.00001 and 0.00003; TOPMed 0.00001; ExAC 0.00006.
gnomAD v4.1: 18 of 1,610,606 alleles (0.0011%); highest among the groups gnomAD compares: African/African-American, 0.0027%; no homozygotes.

Submissions (2):

Labcorp Genetics (formerly Invitae), Labcorp
Classification: Uncertain significance. Last evaluated: 2024-04-16. Review status: criteria provided, single submitter. Criteria: Invitae Variant Classification Sherloc (09022015). Collection method: clinical testing. Allele origin: germline.
Comment: This sequence change replaces glutamic acid, which is acidic and polar, with lysine, which is basic and polar, at codon 575 of the FKBP10 protein (p.Glu575Lys). This variant is present in population databases (rs782264908, gnomAD 0.005%). This variant has not been reported in the literature in individuals affected with FKBP10-related conditions. ClinVar contains an entry for this variant (Variation ID: 323195). An algorithm developed to predict the effect of missense changes on protein structure and function (PolyPhen-2) suggests that this variant¬†is likely to be tolerated. In summary, the available evidence is currently insufficient to determine the role of this variant in disease. Therefore, it has been classified as a Variant of Uncertain Significance.

Illumina Laboratory Services, Illumina
Classification: Uncertain significance for Osteogenesis imperfecta type 11. Last evaluated: 2018-01-13. Review status: criteria provided, single submitter. Criteria: ICSL Variant Classification Criteria 13 December 2019. Collection method: clinical testing. Allele origin: germline.